The following is an entry in ClinVar:

NM_007294.4(BRCA1):c.716A>T (p.His239Leu)

Gene: BRCA1 (BRCA1 DNA repair associated; minus strand). Cytogenetic location: 17q21.31.
Variant type: single nucleotide variant.
Coding change: c.716A>T on transcript NM_007294.4 (MANE Select); coding-DNA position 716, A replaced by T.
Protein change: p.His239Leu; replaces histidine 239 with leucine.
Molecular consequence: missense variant. On other transcripts: non-coding transcript variant (1).
Genome position (GRCh38, 1-based): chr17:43,094,815, T>A on the plus strand (A>T on the coding strand, the complement: BRCA1 is on the minus strand). VCF-style: chr17-43094815-T-A. GRCh37 (hg19) VCF-style: chr17-41246832-T-A.
Other names: c.503A>T, p.His168Leu (NM_001407571.1, NM_001407915.1, NM_001407916.1 and 12 more transcripts); c.716A>T, p.His239Leu (NM_001407581.1, NM_001407582.1, NM_001407583.1 and 54 more transcripts); c.713A>T, p.His238Leu (NM_001407587.1, NM_001407590.1, NM_001407591.1 and 38 more transcripts); c.707A>T, p.His236Leu (NM_001407646.1, NM_001407647.1, NM_001408408.1); c.593A>T, p.His198Leu (NM_001407648.1, NM_001407681.1, NM_001407682.1 and 34 more transcripts); c.590A>T, p.His197Leu (NM_001407649.1, NM_001407685.1, NM_001407686.1 and 20 more transcripts); c.638A>T, p.His213Leu (NM_001407653.1, NM_001407654.1, NM_001407655.1 and 9 more transcripts); c.575A>T, p.His192Leu (NM_001407692.1, NM_001407694.1, NM_001407695.1 and 43 more transcripts); and 14 more; short protein forms H239L, H192L, H197L, H71L, H127L, H128L, H168L, H169L.
Identifiers: ClinVar variation 231422 (VCV000231422.38), dbSNP rs80357396, ClinGen allele CA10580689.

ClinVar aggregate classification (germline): Conflicting classifications of pathogenicity. Review status: criteria provided, conflicting classifications (1 of 4 stars). 10 submissions from 10 submitters: Uncertain significance (7); Likely benign (2). 1 of the submissions does not count toward it. Last evaluated 2026-07-30.

Conditions:
BRCA1-related cancer predisposition. Identifiers: MedGen CN377757, MONDO:0700268.
Hereditary cancer-predisposing syndrome. Also called: Hereditary Cancer Syndrome; Tumor predisposition; Hereditary neoplastic syndrome; Neoplastic Syndromes, Hereditary. Identifiers: Orphanet 140162, MedGen C0027672, MeSH D009386, MONDO:0015356.
Hereditary breast ovarian cancer syndrome. Also called: Breast and ovarian cancer; Hereditary breast and ovarian cancer syndrome; BRCA1- and BRCA2-Associated Hereditary Breast and Ovarian Cancer; Hereditary breast and ovarian cancer syndrome (HBOC); Hereditary breast and/or ovarian cancer syndrome; Hereditary breast and ovarian cancer. Identifiers: Orphanet 145, MedGen C0677776, MeSH D061325, MONDO:0003582. Disease mechanism: loss of function.
Breast-ovarian cancer, familial, susceptibility to, 1 (BROVCA1). Also called: OVARIAN CANCER, SUSCEPTIBILITY TO; BRCA1 Hereditary Breast and Ovarian Cancer. Identifiers: Orphanet 145, MedGen C2676676, MONDO:0011450, OMIM 604370. Disease mechanism: loss of function.

Allele frequency attached by ClinVar (database versions not stated): TOPMed below 0.00001.
gnomAD v4.1: 2 of 1,613,714 alleles (0.00012%); highest among the groups gnomAD compares: Non-Finnish European, 0.00017%; no homozygotes.

Submissions (10):

Myriad Genetics, Inc.
Classification: Likely benign for Breast-ovarian cancer, familial, susceptibility to, 1. Last evaluated: 2026-07-30. Review status: criteria provided, single submitter. Criteria: Myriad Autosomal Dominant, Autosomal Recessive and X-Linked Classification Criteria (2023). Collection method: clinical testing. Allele origin: unknown.
Comment: This variant is considered likely benign. This variant is strongly associated with less severe personal and family histories of cancer, typical for individuals without pathogenic variants in this gene [PMID: 25085752].

Color Diagnostics, LLC DBA Color Health
Classification: Uncertain significance for Hereditary cancer-predisposing syndrome. Last evaluated: 2025-12-09. Review status: criteria provided, single submitter. Criteria: ACMG Guidelines, 2015. Collection method: clinical testing. Allele origin: germline.
Comment: This missense variant replaces histidine with leucine at codon 239 of the BRCA1 protein. Computational prediction suggests that this variant may not impact protein structure and function. To our knowledge, functional studies have not been reported for this variant. This variant has been reported in at least two individuals affected with breast cancer (PMID: 25186627, 27478808). Multifactorial analysis reached a combined likelihood ratio (LR) of 0.04 based on case-control data from fewer than 5 carriers and the personal and family history for two carriers (PMID: 31853058, 40413188). This variant has been identified in 2/1613714 chromosomes in the general population by the Genome Aggregation Database (gnomAD). The available evidence is insufficient to determine the role of this variant in disease conclusively. Therefore, this variant is classified as a Variant of Uncertain Significance.

Labcorp Genetics (formerly Invitae), Labcorp
Classification: Uncertain significance for Hereditary breast ovarian cancer syndrome. Last evaluated: 2025-03-24. Review status: criteria provided, single submitter. Criteria: Invitae Variant Classification Sherloc (09022015). Collection method: clinical testing. Allele origin: germline.
Comment: This sequence change replaces histidine, which is basic and polar, with leucine, which is neutral and non-polar, at codon 239 of the BRCA1 protein (p.His239Leu). This variant is not present in population databases (gnomAD no frequency). This missense change has been observed in individual(s) with breast cancer (PMID: 25186627). ClinVar contains an entry for this variant (Variation ID: 231422). Invitae Evidence Modeling of protein sequence and biophysical properties (such as structural, functional, and spatial information, amino acid conservation, physicochemical variation, residue mobility, and thermodynamic stability) indicates that this missense variant is not expected to disrupt BRCA1 protein function with a negative predictive value of 80%. In summary, the available evidence is currently insufficient to determine the role of this variant in disease. Therefore, it has been classified as a Variant of Uncertain Significance.

Ambry Genetics
Classification: Uncertain significance for Hereditary cancer-predisposing syndrome. Last evaluated: 2025-01-24. Review status: criteria provided, single submitter. Criteria: Ambry Variant Classification Scheme 2023. Collection method: clinical testing. Allele origin: germline.
Comment: The p.H239L variant (also known as c.716A>T), located in coding exon 9 of the BRCA1 gene, results from an A to T substitution at nucleotide position 716. The histidine at codon 239 is replaced by leucine, an amino acid with similar properties. This alteration has been reported in an individual with breast cancer (Tung N et al. Cancer, 2015 Jan;121:25-33). This amino acid position is not well conserved in available vertebrate species. In addition, the in silico prediction for this alteration is inconclusive. Based on the available evidence, the clinical significance of this variant remains unclear.

All of Us Research Program, National Institutes of Health
Classification: Uncertain significance for BRCA1-related cancer predisposition. Last evaluated: 2024-09-17. Review status: criteria provided, single submitter. Criteria: ACMG Guidelines, 2015. Collection method: clinical testing. Allele origin: germline. Inheritance: Autosomal dominant inheritance. Observed: 4 variant alleles, 4 heterozygotes.
Comment: This missense variant replaces histidine with leucine at codon 239 of the BRCA1 protein. Computational prediction is inconclusive regarding the impact of this variant on protein structure and function (internally defined REVEL score threshold 0.5 < inconclusive < 0.7, PMID: 27666373). To our knowledge, functional studies have not been reported for this variant. This variant has been reported in individuals affected with breast cancer in the literature (PMID: 25186627, 27478808). This variant has not been identified in the general population by the Genome Aggregation Database (gnomAD). The available evidence is insufficient to determine the role of this variant in disease conclusively. Therefore, this variant is classified as a Variant of Uncertain Significance.

This study involves interpretation of variants in research participants for the purpose of population health screening. Participant phenotype was not available at the time of variant classification. Additional details can be found in publication PMID: 35346344, PMCID: PMC8962531

University of Washington Department of Laboratory Medicine, University of Washington
Classification: Likely benign for Hereditary cancer-predisposing syndrome. Last evaluated: 2023-03-23. Review status: criteria provided, single submitter. Criteria: Dines et al. (Genet Med. 2020). Collection method: curation. Allele origin: germline.
Comment: Missense variant in a coldspot region where missense variants are very unlikely to be pathogenic (PMID:31911673).

BRCA1 coldspot (exon 11 using historical exon numbering). Reclassification based on statistical prior probability

Quest Diagnostics Nichols Institute San Juan Capistrano
Classification: Uncertain significance. Last evaluated: 2021-03-10. Review status: criteria provided, single submitter. Criteria: Quest Diagnostics criteria. Collection method: clinical testing. Allele origin: unknown.

Illumina Laboratory Services, Illumina
Classification: Uncertain significance for Breast-ovarian cancer, familial, susceptibility to, 1. Last evaluated: 2018-01-12. Review status: criteria provided, single submitter. Criteria: ICSL Variant Classification Criteria 13 December 2019. Collection method: clinical testing. Allele origin: germline.

GeneDx
Classification: Uncertain significance. Last evaluated: 2017-12-12. Review status: criteria provided, single submitter. Criteria: GeneDx Variant Classification (06012015). Collection method: clinical testing. Allele origin: germline. Affected: yes.
Comment: This variant is denoted BRCA1 c.716A>T at the cDNA level, p.His239Leu (H239L) at the protein level, and results in the change of a Histidine to a Leucine (CAT>CTT). Using alternate nomenclature, this variant would be defined as BRCA1 835A>T. This variant has been reported in at least one individual with breast cancer (Tung 2015). BRCA1 His239Leu was not observed in large population cohorts (Lek 2016). Since Histidine and Leucine differ in polarity, charge, size or other properties, this is considered a non-conservative amino acid substitution. BRCA1 His239Leu is located in a region known to interact with multiple proteins (Paul 2014). In-silico analyses, including protein predictors and evolutionary conservation, support a deleterious effect. Based on currently available evidence, it is unclear whether BRCA1 His239Leu is a pathogenic or benign variant. We consider it to be a variant of uncertain significance.

Counsyl
Classification: Uncertain significance for Breast-ovarian cancer, familial, susceptibility to, 1. Last evaluated: 2016-10-03. Review status: no assertion criteria provided. Collection method: clinical testing. Allele origin: unknown. Not counted in ClinVar's aggregate classification.

Literature cited by the submitters: PubMed 25085752 (cited by Myriad Genetics, Inc.); PubMed 25186627 (cited by 6 submitters); PubMed 27478808 (cited by 3 submitters); PubMed 31853058 (cited by Color Diagnostics, LLC DBA Color Health); PubMed 40413188 (cited by Color Diagnostics, LLC DBA Color Health).